The following is an entry in ClinVar:

NM_001202.6(BMP4):c.781G>A (p.Gly261Arg)

Gene: BMP4 (bone morphogenetic protein 4; minus strand). Cytogenetic location: 14q22.2.
Variant type: single nucleotide variant.
Coding change: c.781G>A on transcript NM_001202.6 (MANE Select); coding-DNA position 781, G replaced by A.
Protein change: p.Gly261Arg; replaces glycine 261 with arginine.
Molecular consequence: missense variant.
Genome position (GRCh38, 1-based): chr14:53,950,478, C>T on the plus strand (G>A on the coding strand, the complement: BMP4 is on the minus strand). VCF-style: chr14-53950478-C-T. GRCh37 (hg19) VCF-style: chr14-54417196-C-T.
Other names: c.922G>A, p.Gly308Arg (NM_001347912.1); c.592G>A, p.Gly198Arg (NM_001347913.2, NM_001347915.2, NM_001347917.1); c.781G>A, p.Gly261Arg (NM_001347914.2, NM_001347916.1, NM_130850.5 and 1 more transcripts); short protein forms G198R, G261R, G308R.
Identifiers: ClinVar variation 4783621 (VCV004783621.1).

ClinVar aggregate classification (germline): Uncertain significance (1 of 4 stars; one submission).

Conditions:
Orofacial cleft 11 (OFC11). Also called: Orofacial cleft 11; ofc11; CLEFT LIP WITH OR WITHOUT CLEFT PALATE, NONSYNDROMIC, 11. Identifiers: MedGen C2677434, MONDO:0010906, OMIM 600625.
Microphthalmia with brain and digit anomalies (MCOPS6). Also called: MICROPHTHALMIA AND PITUITARY ANOMALIES; Microphthalmia, syndromic 6. Identifiers: Orphanet 139471, MedGen C1864689, MONDO:0011936, OMIM 607932.

Submission:

Labcorp Genetics (formerly Invitae), Labcorp
Classification: Uncertain significance for Microphthalmia with brain and digit anomalies; Orofacial cleft 11. Last evaluated: 2025-09-07. Review status: criteria provided, single submitter. Criteria: Invitae Variant Classification Sherloc (09022015). Collection method: clinical testing. Allele origin: germline.
Comment: This sequence change replaces glycine, which is neutral and non-polar, with arginine, which is basic and polar, at codon 261 of the BMP4 protein (p.Gly261Arg). This variant is not present in population databases (gnomAD no frequency). This variant has not been reported in the literature in individuals affected with BMP4-related conditions. An algorithm developed to predict the effect of missense changes on protein structure and function (PolyPhen-2) suggests that this variant is likely to be tolerated. In summary, the available evidence is currently insufficient to determine the role of this variant in disease. Therefore, it has been classified as a Variant of Uncertain Significance.